The following is an entry in ClinVar:

ClinVar aggregate classification (germline): Likely benign (1 of 4 stars; one submission).

Submission:

CeGaT Center for Human Genetics Tuebingen
Classification: Likely benign. Last evaluated: 2023-11-01. Review status: criteria provided, single submitter. Criteria: CeGaT Center For Human Genetics Tuebingen Variant Classification Criteria Version 2. Collection method: clinical testing. Allele origin: germline. Affected: yes. Observed: 2 variant alleles.
Comment: H2AC21: BP4, BP7

NM_175065.3(H2AC21):c.183G>C (p.Ala61=)

Gene: H2AC21 (H2A clustered histone 21; minus strand). Cytogenetic location: 1q21.2.
Variant type: single nucleotide variant.
Coding change: c.183G>C on transcript NM_175065.3 (MANE Select); coding-DNA position 183, G replaced by C.
Protein change: p.Ala61=; no amino-acid change (alanine 61 retained).
Molecular consequence: synonymous variant.
Genome position (GRCh38, 1-based): chr1:149,887,734, C>G on the plus strand (G>C on the coding strand, the complement: H2AC21 is on the minus strand). VCF-style: chr1-149887734-C-G. GRCh37 (hg19) VCF-style: chr1-149859284-C-G.
Identifiers: ClinVar variation 2639148 (VCV002639148.24), dbSNP rs1553760120, ClinGen allele CA420891979.
Genomic context (GRCh38, chr1:149,887,734, plus strand): 5'-AGGGATGATGCGCGTCTTCTTGTTGTCCCGAGCCGCGTTGCCCGCCAGCTCCAGAATTTC[C>G]GCGGTCAGGTACTCGAGGACCGCCGCCAGGTACACCGGGGCGCCTGCCCCGACCCGCTCC-3'
Protein context (NP_778235.1, residues 51-71): YLAAVLEYLT[Ala61=]EILELAGNAA